The following is an entry in ClinVar:

ClinVar aggregate classification (germline): Uncertain significance (1 of 4 stars; one submission).

Submission:

GeneDx
Classification: Uncertain significance. Last evaluated: 2024-01-12. Review status: criteria provided, single submitter. Criteria: GeneDx Variant Classification Process June 2021. Collection method: clinical testing. Allele origin: germline. Affected: yes.
Comment: Not observed at significant frequency in large population cohorts (gnomAD); In silico analysis supports that this missense variant has a deleterious effect on protein structure/function; Has not been previously published as pathogenic or benign to our knowledge

NM_001080421.3(UNC13A):c.2233G>A (p.Glu745Lys)

Gene: UNC13A (unc-13 homolog A; minus strand). Cytogenetic location: 19p13.11.
Variant type: single nucleotide variant.
Coding change: c.2233G>A on transcript NM_001080421.3 (MANE Select); coding-DNA position 2233, G replaced by A.
Protein change: p.Glu745Lys; replaces glutamic acid 745 with lysine.
Molecular consequence: missense variant.
Genome position (GRCh38, 1-based): chr19:17,645,797, C>T on the plus strand (G>A on the coding strand, the complement: UNC13A is on the minus strand). VCF-style: chr19-17645797-C-T. GRCh37 (hg19) VCF-style: chr19-17756606-C-T.
Other names: c.2227G>A, p.Glu743Lys (NM_001387021.1, NM_001387022.1, NM_001387023.1); short protein forms E743K, E745K.
Identifiers: ClinVar variation 3367665 (VCV003367665.1).